The following is an entry in ClinVar:

NM_000179.3(MSH6):c.4002-11T>A

Gene: MSH6 (mutS homolog 6; plus strand). Cytogenetic location: 2p16.3.
Variant type: single nucleotide variant.
Coding change: c.4002-11T>A on transcript NM_000179.3 (MANE Select); 11 bases into the intron before coding-DNA position 4002, T replaced by A.
Molecular consequence: intron variant.
Genome position (GRCh38, 1-based): chr2:47,806,768, T>A. VCF-style: chr2-47806768-T-A. GRCh37 (hg19) VCF-style: chr2-48033907-T-A.
Other names: c.3096-11T>A (NM_001281493.2, NM_001281494.2); c.3612-11T>A (NM_001281492.2).
Identifiers: ClinVar variation 1192782 (VCV001192782.3), dbSNP rs1670199820, ClinGen allele CA532705578.

ClinVar aggregate classification (germline): Uncertain significance. Review status: criteria provided, multiple submitters, no conflicts (2 of 4 stars). 2 submissions from 2 submitters: Uncertain significance (2). Last evaluated 2025-07-29.

Conditions:
Hereditary cancer-predisposing syndrome. Also called: Neoplastic Syndromes, Hereditary; Hereditary neoplastic syndrome; Hereditary Cancer Syndrome; Tumor predisposition. Identifiers: Orphanet 140162, MedGen C0027672, MeSH D009386, MONDO:0015356.

Allele frequency attached by ClinVar (database versions not stated): TOPMed below 0.00001; gnomAD 0.00001; gnomAD exomes below 0.00001.

Submissions (2):

Color Diagnostics, LLC DBA Color Health
Classification: Uncertain significance for Hereditary cancer-predisposing syndrome. Last evaluated: 2025-07-29. Review status: criteria provided, single submitter. Criteria: ACMG Guidelines, 2015. Collection method: clinical testing. Allele origin: germline.
Comment: This variant causes a T to A nucleotide substitution at the -11 position of intron 9 of the MSH6 gene. To our knowledge, RNA studies have not been reported for this variant. This variant has not been reported in individuals affected with MSH6-related disorders in the literature. This variant has not been identified in the general population by the Genome Aggregation Database (gnomAD). The available evidence is insufficient to determine the role of this variant in disease conclusively. Therefore, this variant is classified as a Variant of Uncertain Significance.

GeneDx
Classification: Uncertain significance. Last evaluated: 2019-05-07. Review status: criteria provided, single submitter. Criteria: GeneDx Variant Classification Process June 2021. Collection method: clinical testing. Allele origin: germline. Affected: yes.
Comment: Not observed in large population cohorts (Lek et al., 2016); In silico analysis, which includes splice predictors and evolutionary conservation, supports a deleterious effect; Has not been previously published as pathogenic or benign to our knowledge